The following is an entry in ClinVar:

ClinVar aggregate classification (germline): Conflicting classifications of pathogenicity. Review status: criteria provided, conflicting classifications (1 of 4 stars). 5 submissions from 5 submitters: Uncertain significance (3); Likely benign (2). Last evaluated 2025-08-05.

Conditions:
Hereditary cancer-predisposing syndrome. Also called: Neoplastic Syndromes, Hereditary; Tumor predisposition; Hereditary Cancer Syndrome; Hereditary neoplastic syndrome. Identifiers: Orphanet 140162, MedGen C0027672, MeSH D009386, MONDO:0015356.
Breast-ovarian cancer, familial, susceptibility to, 4. Identifiers: Orphanet 145, MedGen C3280345, MONDO:0013669, OMIM 614291.

Allele frequency attached by ClinVar (database versions not stated): gnomAD exomes 0.00001; ExAC 0.00002.
gnomAD v4.1: 3 of 1,614,032 alleles (0.00019%); highest among the groups gnomAD compares: Non-Finnish European, 0.00017%; no homozygotes.

Submissions (5):

Labcorp Genetics (formerly Invitae), Labcorp
Classification: Uncertain significance for Breast-ovarian cancer, familial, susceptibility to, 4. Last evaluated: 2025-08-05. Review status: criteria provided, single submitter. Criteria: Invitae Variant Classification Sherloc (09022015). Collection method: clinical testing. Allele origin: germline.
Comment: This sequence change replaces valine, which is neutral and non-polar, with isoleucine, which is neutral and non-polar, at codon 116 of the RAD51D protein (p.Val116Ile). This variant is present in population databases (rs753009349, gnomAD 0.0009%). This variant has not been reported in the literature in individuals affected with RAD51D-related conditions. ClinVar contains an entry for this variant (Variation ID: 484770). An algorithm developed to predict the effect of missense changes on protein structure and function (PolyPhen-2) suggests that this variant is likely to be tolerated. In summary, the available evidence is currently insufficient to determine the role of this variant in disease. Therefore, it has been classified as a Variant of Uncertain Significance.

Center for Genomic Medicine, Rigshospitalet, Copenhagen University Hospital
Classification: Uncertain significance. Last evaluated: 2025-03-04. Review status: criteria provided, single submitter. Criteria: ACMG Guidelines, 2015. Collection method: clinical testing. Allele origin: germline.

Color Diagnostics, LLC DBA Color Health
Classification: Likely benign for Hereditary cancer-predisposing syndrome. Last evaluated: 2024-10-25. Review status: criteria provided, single submitter. Criteria: ACMG Guidelines, 2015. Collection method: clinical testing. Allele origin: germline.

Ambry Genetics
Classification: Likely benign for Hereditary cancer-predisposing syndrome. Last evaluated: 2024-06-10. Review status: criteria provided, single submitter. Criteria: Ambry Variant Classification Scheme 2023. Collection method: clinical testing. Allele origin: germline.

Women's Health and Genetics/Laboratory Corporation of America, LabCorp
Classification: Uncertain significance. Last evaluated: 2023-11-17. Review status: criteria provided, single submitter. Criteria: LabCorp Variant Classification Summary - May 2015. Collection method: clinical testing. Allele origin: germline.
Comment: Variant summary: RAD51D c.346G>A (p.Val116Ile) results in a conservative amino acid change located in the AAA+ ATPase domain (IPR003593) of the encoded protein sequence. Three of five in-silico tools predict a benign effect of the variant on protein function. Consensus agreement among computation tools predict no significant impact on normal splicing. However, these predictions have yet to be confirmed by functional studies. The variant allele was found at a frequency of 8e-06 in 251332 control chromosomes (gnomAD). The available data on variant occurrences in the general population are insufficient to allow any conclusion about variant significance. To our knowledge, no occurrence of c.346G>A in individuals affected with Hereditary Breast And Ovarian Cancer Syndrome and no experimental evidence demonstrating its impact on protein function have been reported. Four submitters have cited clinical-significance assessments for this variant to ClinVar after 2014. All submitters classified the variant as uncertain significance. Based on the evidence outlined above, the variant was classified as uncertain significance.

NM_002878.4(RAD51D):c.346G>A (p.Val116Ile)

Genes: RAD51L3-RFFL (RAD51L3-RFFL readthrough; minus strand), RAD51D (RAD51 paralog D; minus strand). Cytogenetic location: 17q12.
Variant type: single nucleotide variant.
Coding change: c.346G>A on transcript NM_002878.4 (MANE Select); coding-DNA position 346, G replaced by A.
Protein change: p.Val116Ile; replaces valine 116 with isoleucine.
Molecular consequence: missense variant. On other transcripts: non-coding transcript variant (1), intron variant (1).
Genome position (GRCh38, 1-based): chr17:35,107,122, C>T on the plus strand (G>A on the coding strand, the complement: RAD51D is on the minus strand). VCF-style: chr17-35107122-C-T. GRCh37 (hg19) VCF-style: chr17-33434141-C-T.
Other names: c.406G>A, p.Val136Ile (NM_001142571.2); c.145-641G>A (NM_133629.3); short protein forms V116I, V136I.
Identifiers: ClinVar variation 484770 (VCV000484770.22), dbSNP rs753009349, ClinGen allele CA8499488.